The following is an entry in ClinVar:

NM_001367624.2(ZNF469):c.11697A>C (p.Arg3899Ser)

Gene: ZNF469 (zinc finger protein 469; plus strand). Cytogenetic location: 16q24.2.
Variant type: single nucleotide variant.
Coding change: c.11697A>C on transcript NM_001367624.2 (MANE Select); coding-DNA position 11697, A replaced by C.
Protein change: p.Arg3899Ser; replaces arginine 3899 with serine.
Molecular consequence: missense variant.
Genome position (GRCh38, 1-based): chr16:88,439,167, A>C. VCF-style: chr16-88439167-A-C. GRCh37 (hg19) VCF-style: chr16-88505575-A-C.
Other names: NM_001127464.1:c.11613A>C; NM_001127464.2:c.11613A>C; short protein forms R3899S.
Identifiers: ClinVar variation 426189 (VCV000426189.18), dbSNP rs561879014, ClinGen allele CA8225635.
Genomic context (GRCh38, chr16:88,439,167, plus strand): 5'-GGCAGAGCCGGGCCACACACAGAGGAAGGACAGACTGGGCAAGGCCTTCCCCCAGGGGAG[A>C]CCCCTGCTCAGGCCCCCCAAGAGGGGCACAGCTGTCCACGGTGCTGAACCTGCCGAGCCA-3'
Protein context (NP_001354553.1, residues 3889-3909): DRLGKAFPQG[Arg3899Ser]PLLRPPKRGT

ClinVar aggregate classification (germline): Conflicting classifications of pathogenicity. Review status: criteria provided, conflicting classifications (1 of 4 stars). 5 submissions from 5 submitters: Uncertain significance (3); Benign (1). 1 of the submissions does not count toward it. Last evaluated 2026-04-20.

Conditions:
ZNF469-related disorder. Also called: ZNF469-related condition.
Cardiovascular phenotype. Identifiers: MedGen CN230736.

Allele frequency attached by ClinVar (database versions not stated): ExAC 0.00005; gnomAD exomes 0.00005 and 0.00007; 1000 Genomes Project 30x 0.00047; gnomAD 0.00062 and 0.00063; TOPMed 0.00067; 1000 Genomes Project 0.00100.
gnomAD v4.1: 169 of 1,550,344 alleles (0.011%); highest among the groups gnomAD compares: African/African-American, 0.21%; no homozygotes.

Submissions (5):

Women's Health and Genetics/Laboratory Corporation of America, LabCorp
Classification: Uncertain significance. Last evaluated: 2026-04-20. Review status: criteria provided, single submitter. Criteria: LabCorp Variant Classification Summary - May 2015. Collection method: clinical testing. Allele origin: germline.

Ambry Genetics
Classification: Benign for Cardiovascular phenotype. Last evaluated: 2025-01-15. Review status: criteria provided, single submitter. Criteria: Ambry Variant Classification Scheme 2023. Collection method: clinical testing. Allele origin: germline.

Labcorp Genetics (formerly Invitae), Labcorp
Classification: Uncertain significance. Last evaluated: 2024-12-23. Review status: criteria provided, single submitter. Criteria: Invitae Variant Classification Sherloc (09022015). Collection method: clinical testing. Allele origin: germline.
Comment: This sequence change replaces arginine, which is basic and polar, with serine, which is neutral and polar, at codon 3871 of the ZNF469 protein (p.Arg3871Ser). This variant is present in population databases (rs561879014, gnomAD 0.2%). This variant has not been reported in the literature in individuals affected with ZNF469-related conditions. ClinVar contains an entry for this variant (Variation ID: 426189). An algorithm developed to predict the effect of missense changes on protein structure and function (PolyPhen-2) suggests that this variant is likely to be disruptive. In summary, the available evidence is currently insufficient to determine the role of this variant in disease. Therefore, it has been classified as a Variant of Uncertain Significance.

GeneDx
Classification: Uncertain significance. Last evaluated: 2024-10-15. Review status: criteria provided, single submitter. Criteria: GeneDx Variant Classification Process June 2021. Collection method: clinical testing. Allele origin: germline. Affected: yes.
Comment: In silico analysis indicates that this missense variant does not alter protein structure/function; Has not been previously published as pathogenic or benign to our knowledge

PreventionGenetics, part of Exact Sciences
Classification: Likely benign for ZNF469-related condition. Last evaluated: 2022-09-06. Review status: no assertion criteria provided. Collection method: clinical testing. Allele origin: germline. Not counted in ClinVar's aggregate classification.
Comment: This variant is classified as likely benign based on ACMG/AMP sequence variant interpretation guidelines (Richards et al. 2015 PMID: 25741868, with internal and published modifications).